The following is an entry in ClinVar:

NM_000540.3(RYR1):c.3686_3699del (p.Met1229fs)

Gene: RYR1 (ryanodine receptor 1; plus strand). Cytogenetic location: 19q13.2.
Variant type: Deletion.
Coding change: c.3686_3699del on transcript NM_000540.3 (MANE Select); coding-DNA positions 3686 to 3699, 14 bases deleted (TGCAGCGCCCAGTC).
Protein change: p.Met1229fs; shifts the reading frame from methionine 1229.
Molecular consequence: frameshift variant.
Genome position (GRCh38, 1-based): chr19:38,469,434-38,469,447, TGCAGCGCCCAGTC deleted. VCF-style (leftmost placement, unchanged base first): chr19-38469433-ATGCAGCGCCCAGTC-A. GRCh37 (hg19) VCF-style: chr19-38960073-ATGCAGCGCCCAGTC-A.
Other names: c.3686_3699delTGCAGCGCCCAGTC (NM_000540.2); c.3686_3699del, p.Met1229fs (NM_001042723.2); short protein forms M1229fs.
Identifiers: ClinVar variation 544373 (VCV000544373.34), dbSNP rs774319202, ClinGen allele CA065089.

ClinVar aggregate classification (germline): Conflicting classifications of pathogenicity. Review status: criteria provided, conflicting classifications (1 of 4 stars). 4 submissions from 4 submitters: Pathogenic (1); Uncertain significance (2). 1 of the submissions does not count toward it. Last evaluated 2025-05-01.

Conditions:
RYR1-related disorder. Also called: RYR1-related disorders; RYR1-related condition. Identifiers: MedGen CN239331.
Malignant hyperthermia, susceptibility to, 1 (MHS1). Also called: RYR1-Related Malignant Hyperthermia Susceptibility; Anesthesia related hyperthermia; Malignant hyperpyrexia; Fulminating hyperpyrexia; Pharmacogenic myopathy; Malignant hyperthermia suceptibility 1. Identifiers: Orphanet 423, MedGen C2930980, MONDO:0007783, OMIM 145600.

Allele frequency attached by ClinVar (database versions not stated): gnomAD exomes 0.00001 and 0.00002; TOPMed 0.00001; ExAC 0.00002.

Submissions (4):

CeGaT Center for Human Genetics Tuebingen
Classification: Uncertain significance. Last evaluated: 2025-05-01. Review status: criteria provided, single submitter. Criteria: CeGaT Center For Human Genetics Tuebingen Variant Classification Criteria Version 2. Collection method: clinical testing. Allele origin: germline. Affected: yes. Observed: 1 variant allele.
Comment: RYR1: PVS1:Moderate, PM2:Supporting, PS4:Supporting

Labcorp Genetics (formerly Invitae), Labcorp
Classification: Pathogenic for RYR1-related disorder. Last evaluated: 2024-06-21. Review status: criteria provided, single submitter. Criteria: Invitae Variant Classification Sherloc (09022015). Collection method: clinical testing. Allele origin: germline.
Comment: This sequence change creates a premature translational stop signal (p.Met1229Asnfs*12) in the RYR1 gene. It is expected to result in an absent or disrupted protein product. Loss-of-function variants in RYR1 are known to be pathogenic (PMID: 23919265, 25960145, 28818389, 30611313). This variant is present in population databases (rs774319202, gnomAD 0.002%). This variant has not been reported in the literature in individuals affected with RYR1-related conditions. ClinVar contains an entry for this variant (Variation ID: 544373). For these reasons, this variant has been classified as Pathogenic.

All of Us Research Program, National Institutes of Health
Classification: Uncertain significance for Malignant hyperthermia, susceptibility to, 1. Last evaluated: 2023-07-10. Review status: criteria provided, single submitter. Criteria: ACMG Guidelines, 2015. Collection method: clinical testing. Allele origin: germline. Inheritance: Autosomal dominant inheritance. Observed: 1 variant allele, 1 heterozygote.
Comment: This variant deletes 14 nucleotides in exon 27 of the RYR1 gene, creating a frameshift and premature translation stop signal. This variant is expected to result in an absent or non-functional protein product. This variant has not been reported in individuals affected with autosomal dominant malignant hyperthermia susceptibility in the literature, although it is associated with other phenotype(s) (ClinVar variation ID: 544373). This variant has been identified in 2/251354 chromosomes in the general population by the Genome Aggregation Database (gnomAD). Loss of RYR1 function due to truncation variants is not an established disease mechanism for autosomal dominant malignant hyperthermia susceptibility. Due to insufficient evidence, this variant is classified as a Variant of Uncertain Significance for malignant hyperthermia susceptibility.

This study involves interpretation of variants in research participants for the purpose of population health screening. Participant phenotype was not available at the time of variant classification. Additional details can be found in publication PMID: 35346344, PMCID: PMC8962531

deCODE genetics, Amgen
Classification: Likely pathogenic for Malignant hyperthermia, susceptibility to, 1. Last evaluated: 2023-07-21. Review status: no assertion criteria provided. Collection method: research. Allele origin: germline. Affected: yes. Observed: 1 variant allele. Not counted in ClinVar's aggregate classification.
Comment: The variant NM_000540.3:c.3686_3699del (chr19:38469433) in RYR1 was detected in 1 heterozygote out of 58K WGS Icelanders (MAF= 0,001%). This variant has been reported in ClinVar previously as pathogenic. Based on ACMG criteria (PVS1, PM2) this variant classifies as likely pathogenic.

Literature cited by the submitters: PubMed 23919265 (cited by Labcorp Genetics (formerly Invitae), Labcorp); PubMed 25960145 (cited by Labcorp Genetics (formerly Invitae), Labcorp); PubMed 28818389 (cited by Labcorp Genetics (formerly Invitae), Labcorp); PubMed 30611313 (cited by Labcorp Genetics (formerly Invitae), Labcorp).